The following is an entry in ClinVar:

ClinVar aggregate classification (germline): Uncertain significance. Review status: criteria provided, multiple submitters, no conflicts (2 of 4 stars). 2 submissions from 2 submitters: Uncertain significance (2). Last evaluated 2025-09-12.

Conditions:
Cardiovascular phenotype. Identifiers: MedGen CN230736.
Brugada syndrome. Also called: Sudden unexplained nocturnal death syndrome; Sudden unexpected nocturnal death syndrome; Sudden Unexplained Death Syndrome; Sudden Unexplained Nocturnal Death Syndrome (SUNDS). Identifiers: Orphanet 130, MedGen C1142166, MONDO:0015263.

Allele frequency attached by ClinVar (database versions not stated): TOPMed 0.00001.

Submissions (2):

Ambry Genetics
Classification: Uncertain significance for Cardiovascular phenotype. Last evaluated: 2025-09-12. Review status: criteria provided, single submitter. Criteria: Ambry Variant Classification Scheme 2023. Collection method: clinical testing. Allele origin: germline.
Comment: The p.M235V variant (also known as c.703A>G), located in coding exon 6 of the GPD1L gene, results from an A to G substitution at nucleotide position 703. The methionine at codon 235 is replaced by valine, an amino acid with highly similar properties. This amino acid position is conserved. In addition, the in silico prediction for this alteration is inconclusive. Based on the available evidence, the clinical significance of this variant remains unclear.

Labcorp Genetics (formerly Invitae), Labcorp
Classification: Uncertain significance for Brugada syndrome. Last evaluated: 2024-05-22. Review status: criteria provided, single submitter. Criteria: Invitae Variant Classification Sherloc (09022015). Collection method: clinical testing. Allele origin: germline.
Comment: This sequence change replaces methionine, which is neutral and non-polar, with valine, which is neutral and non-polar, at codon 235 of the GPD1L protein (p.Met235Val). This variant is not present in population databases (gnomAD no frequency). This variant has not been reported in the literature in individuals affected with GPD1L-related conditions. ClinVar contains an entry for this variant (Variation ID: 972623). Advanced modeling of protein sequence and biophysical properties (such as structural, functional, and spatial information, amino acid conservation, physicochemical variation, residue mobility, and thermodynamic stability) performed at Invitae indicates that this missense variant is not expected to disrupt GPD1L protein function with a negative predictive value of 80%. In summary, the available evidence is currently insufficient to determine the role of this variant in disease. Therefore, it has been classified as a Variant of Uncertain Significance.

NM_015141.4(GPD1L):c.703A>G (p.Met235Val)

Gene: GPD1L (glycerol-3-phosphate dehydrogenase 1 like; plus strand). Cytogenetic location: 3p22.3.
Variant type: single nucleotide variant.
Coding change: c.703A>G on transcript NM_015141.4 (MANE Select); coding-DNA position 703, A replaced by G.
Protein change: p.Met235Val; replaces methionine 235 with valine.
Molecular consequence: missense variant.
Genome position (GRCh38, 1-based): chr3:32,158,960, A>G. VCF-style: chr3-32158960-A-G. GRCh37 (hg19) VCF-style: chr3-32200452-A-G.
Other names: short protein forms M235V.
Identifiers: ClinVar variation 972623 (VCV000972623.8), dbSNP rs1254946428, ClinGen allele CA351969143.